The following is an entry in ClinVar:

ClinVar aggregate classification (germline): Uncertain significance (1 of 4 stars; one submission).

Conditions:
Primary ciliary dyskinesia. Also called: Ciliary dyskinesia. Identifiers: Orphanet 244, MedGen C0008780, MONDO:0016575, HP:0012265.

gnomAD v4.1: 1 of 1,613,838 alleles (0.000062%); highest among the groups gnomAD compares: Non-Finnish European, 0.000085%; no homozygotes.

Submission:

Labcorp Genetics (formerly Invitae), Labcorp
Classification: Uncertain significance for Primary ciliary dyskinesia. Last evaluated: 2025-11-05. Review status: criteria provided, single submitter. Criteria: Invitae Variant Classification Sherloc (09022015). Collection method: clinical testing. Allele origin: germline.
Comment: This sequence change replaces serine, which is neutral and polar, with phenylalanine, which is neutral and non-polar, at codon 327 of the DNAI2 protein (p.Ser327Phe). This variant is not present in population databases (gnomAD no frequency). This variant has not been reported in the literature in individuals affected with DNAI2-related conditions. Invitae Evidence Modeling of protein sequence and biophysical properties (such as structural, functional, and spatial information, amino acid conservation, physicochemical variation, residue mobility, and thermodynamic stability) indicates that this missense variant is not expected to disrupt DNAI2 protein function with a negative predictive value of 95%. In summary, the available evidence is currently insufficient to determine the role of this variant in disease. Therefore, it has been classified as a Variant of Uncertain Significance.

NM_023036.6(DNAI2):c.980C>T (p.Ser327Phe)

Gene: DNAI2 (dynein axonemal intermediate chain 2; plus strand). Cytogenetic location: 17q25.1.
Variant type: single nucleotide variant.
Coding change: c.980C>T on transcript NM_023036.6 (MANE Select); coding-DNA position 980, C replaced by T.
Protein change: p.Ser327Phe; replaces serine 327 with phenylalanine.
Molecular consequence: missense variant. On other transcripts: non-coding transcript variant (1).
Genome position (GRCh38, 1-based): chr17:74,301,161, C>T. VCF-style: chr17-74301161-C-T. GRCh37 (hg19) VCF-style: chr17-72297300-C-T.
Other names: c.980C>T, p.Ser327Phe (NM_001172810.3, NM_001353167.2); short protein forms S327F.
Identifiers: ClinVar variation 4699804 (VCV004699804.1).
Genomic context (GRCh38, chr17:74,301,161, plus strand): 5'-ACATCACCAAGAAGGAACAGTTGGAAAATGCCTTGGGGGCCATCTCCCTGGAGTTCGAAT[C>T]TACTTTGGTGAGTGTCCCTTGCTGTCCCTTCCCCGACTTGCATTGACAGGGCAGCCAGGG-3'
Protein context (NP_075462.3, residues 317-337): ALGAISLEFE[Ser327Phe]TLPTKFMVGT